The following is an entry in ClinVar:

NM_004360.5(CDH1):c.773A>G (p.Asn258Ser)

Gene: CDH1 (cadherin 1; plus strand). Cytogenetic location: 16q22.1.
Variant type: single nucleotide variant.
Coding change: c.773A>G on transcript NM_004360.5 (MANE Select); coding-DNA position 773, A replaced by G.
Protein change: p.Asn258Ser; replaces asparagine 258 with serine.
Molecular consequence: missense variant. On other transcripts: 5 prime UTR variant (2).
Genome position (GRCh38, 1-based): chr16:68,810,282, A>G. VCF-style: chr16-68810282-A-G. GRCh37 (hg19) VCF-style: chr16-68844185-A-G.
Other names: c.-843A>G (NM_001317185.2); c.-1047A>G (NM_001317186.2); c.773A>G, p.Asn258Ser (NM_001317184.2); short protein forms N258S.
Identifiers: ClinVar variation 3779027 (VCV003779027.3).

ClinVar aggregate classification (germline): Uncertain significance. Review status: criteria provided, multiple submitters, no conflicts (2 of 4 stars). 3 submissions from 3 submitters: Uncertain significance (3). Last evaluated 2025-12-23.

Conditions:
Hereditary diffuse gastric adenocarcinoma (HDGC). Also called: DIFFUSE GASTRIC AND LOBULAR BREAST CANCER SYNDROME. Identifiers: Orphanet 26106, MedGen C1708349, MONDO:0007648, OMIM 137215.
Hereditary cancer-predisposing syndrome. Also called: Hereditary Cancer Syndrome; Hereditary neoplastic syndrome; Tumor predisposition; Neoplastic Syndromes, Hereditary. Identifiers: Orphanet 140162, MedGen C0027672, MeSH D009386, MONDO:0015356.
CDH1-related diffuse gastric and lobular breast cancer syndrome. Also called: CDH1-related diffuse gastric and lobular breast cancer. Identifiers: MedGen CN311521, MONDO:0100488.

gnomAD v4.1: 2 of 1,614,162 alleles (0.00012%); highest among the groups gnomAD compares: Non-Finnish European, 0.00017%; no homozygotes.

Submissions (3):

Labcorp Genetics (formerly Invitae), Labcorp
Classification: Uncertain significance for Hereditary diffuse gastric adenocarcinoma. Last evaluated: 2025-12-23. Review status: criteria provided, single submitter. Criteria: Invitae Variant Classification Sherloc (09022015). Collection method: clinical testing. Allele origin: germline.
Comment: This sequence change replaces asparagine, which is neutral and polar, with serine, which is neutral and polar, at codon 258 of the CDH1 protein (p.Asn258Ser). This variant is not present in population databases (gnomAD no frequency). This variant has not been reported in the literature in individuals affected with CDH1-related conditions. ClinVar contains an entry for this variant (Variation ID: 3779027). An algorithm developed to predict the effect of missense changes on protein structure and function (PolyPhen-2) suggests that this variant is likely to be disruptive. In summary, the available evidence is currently insufficient to determine the role of this variant in disease. Therefore, it has been classified as a Variant of Uncertain Significance.

Ambry Genetics
Classification: Uncertain significance for Hereditary cancer-predisposing syndrome. Last evaluated: 2025-10-09. Review status: criteria provided, single submitter. Criteria: Ambry Variant Classification Scheme 2023. Collection method: clinical testing. Allele origin: germline.
Comment: The p.N258S variant (also known as c.773A>G), located in coding exon 6 of the CDH1 gene, results from an A to G substitution at nucleotide position 773. The asparagine at codon 258 is replaced by serine, an amino acid with highly similar properties. This amino acid position is conserved. In addition, this alteration is predicted to be tolerated by in silico analysis. Based on the available evidence, the clinical significance of this variant remains unclear.

Department of Pathology and Laboratory Medicine, Sinai Health System
Classification: Uncertain significance for CDH1-related diffuse gastric and lobular breast cancer syndrome. Last evaluated: 2023-03-06. Review status: criteria provided, single submitter. Criteria: ACMG Guidelines, 2015. Collection method: clinical testing. Allele origin: germline. Affected: yes.